The following is an entry in ClinVar:

NM_003403.5(YY1):c.943A>G (p.Lys315Glu)

Gene: YY1 (YY1 transcription factor; plus strand). Cytogenetic location: 14q32.2.
Variant type: single nucleotide variant.
Coding change: c.943A>G on transcript NM_003403.5 (MANE Select); coding-DNA position 943, A replaced by G.
Protein change: p.Lys315Glu; replaces lysine 315 with glutamic acid.
Molecular consequence: missense variant.
Genome position (GRCh38, 1-based): chr14:100,276,529, A>G. VCF-style: chr14-100276529-A-G. GRCh37 (hg19) VCF-style: chr14-100742866-A-G.
Other names: short protein forms K315E.
Identifiers: ClinVar variation 3342304 (VCV003342304.1).

ClinVar aggregate classification (germline): Pathogenic (1 of 4 stars; one submission).

Submission:

GeneDx
Classification: Pathogenic. Last evaluated: 2023-09-25. Review status: criteria provided, single submitter. Criteria: GeneDx Variant Classification Process June 2021. Collection method: clinical testing. Allele origin: germline. Affected: yes.
Comment: Not observed at significant frequency in large population cohorts (gnomAD); In silico analysis supports that this missense variant has a deleterious effect on protein structure/function; This variant is associated with the following publications: (PMID: 31785789)